The following is an entry in ClinVar:

ClinVar aggregate classification (germline): Uncertain significance (1 of 4 stars; one submission).

Allele frequency attached by ClinVar (database versions not stated): gnomAD 0.00001; gnomAD exomes 0.00002; TOPMed 0.00002; ExAC 0.00004.
gnomAD v4.1: 13 of 1,613,298 alleles (0.00081%); highest among the groups gnomAD compares: Admixed American, 0.022%; no homozygotes.

Submission:

Labcorp Genetics (formerly Invitae), Labcorp
Classification: Uncertain significance. Last evaluated: 2026-01-05. Review status: criteria provided, single submitter. Criteria: Invitae Variant Classification Sherloc (09022015). Collection method: clinical testing. Allele origin: germline.
Comment: This sequence change replaces lysine, which is basic and polar, with glutamic acid, which is acidic and polar, at codon 124 of the NUP85 protein (p.Lys124Glu). This variant is present in population databases (rs761501777, gnomAD 0.04%). This variant has not been reported in the literature in individuals affected with NUP85-related conditions. ClinVar contains an entry for this variant (Variation ID: 1925154). An algorithm developed to predict the effect of missense changes on protein structure and function (PolyPhen-2) suggests that this variant is likely to be tolerated. In summary, the available evidence is currently insufficient to determine the role of this variant in disease. Therefore, it has been classified as a Variant of Uncertain Significance.

NM_024844.5(NUP85):c.370A>G (p.Lys124Glu)

Gene: NUP85 (nucleoporin 85; plus strand). Cytogenetic location: 17q25.1.
Variant type: single nucleotide variant.
Coding change: c.370A>G on transcript NM_024844.5 (MANE Select); coding-DNA position 370, A replaced by G.
Protein change: p.Lys124Glu; replaces lysine 124 with glutamic acid.
Molecular consequence: missense variant.
Genome position (GRCh38, 1-based): chr17:75,213,084, A>G. VCF-style: chr17-75213084-A-G. GRCh37 (hg19) VCF-style: chr17-73209179-A-G.
Other names: c.232A>G, p.Lys78Glu (NM_001303276.2); c.370A>G, p.Lys124Glu (NM_001330472.2); short protein forms K124E, K78E.
Identifiers: ClinVar variation 1925154 (VCV001925154.5), dbSNP rs761501777, ClinGen allele CA8758467.